The following is an entry in ClinVar:

NM_000465.4(BARD1):c.2030T>A (p.Phe677Tyr)

Gene: BARD1 (BRCA1 associated RING domain 1; minus strand). Cytogenetic location: 2q35.
Variant type: single nucleotide variant.
Coding change: c.2030T>A on transcript NM_000465.4 (MANE Select); coding-DNA position 2030, T replaced by A.
Protein change: p.Phe677Tyr; replaces phenylalanine 677 with tyrosine.
Molecular consequence: missense variant. On other transcripts: non-coding transcript variant (3).
Genome position (GRCh38, 1-based): chr2:214,728,980, A>T on the plus strand (T>A on the coding strand, the complement: BARD1 is on the minus strand). VCF-style: chr2-214728980-A-T. GRCh37 (hg19) VCF-style: chr2-215593704-A-T.
Other names: c.1973T>A, p.Phe658Tyr (NM_001282543.2); c.677T>A, p.Phe226Tyr (NM_001282545.2); c.620T>A, p.Phe207Tyr (NM_001282548.2); c.491T>A, p.Phe164Tyr (NM_001282549.2); c.2030T>A (NM_000465.2); short protein forms F164Y, F207Y, F226Y, F658Y, F677Y.
Identifiers: ClinVar variation 1008288 (VCV001008288.8), dbSNP rs1259167680, ClinGen allele CA350450769.

ClinVar aggregate classification (germline): Uncertain significance. Review status: criteria provided, multiple submitters, no conflicts (2 of 4 stars). 2 submissions from 2 submitters: Uncertain significance (2). Last evaluated 2024-02-15.

Conditions:
Familial cancer of breast. Also called: BREAST CANCER, FAMILIAL; Hereditary breast cancer; hereditary breast carcinoma. Identifiers: Orphanet 227535, MedGen C0346153, MONDO:0016419, OMIM 114480. Disease mechanism: loss of function.
Hereditary cancer-predisposing syndrome. Also called: Tumor predisposition; Hereditary neoplastic syndrome; Neoplastic Syndromes, Hereditary; Hereditary Cancer Syndrome. Identifiers: Orphanet 140162, MedGen C0027672, MeSH D009386, MONDO:0015356.

Submissions (2):

Labcorp Genetics (formerly Invitae), Labcorp
Classification: Uncertain significance for Familial cancer of breast. Last evaluated: 2024-02-15. Review status: criteria provided, single submitter. Criteria: Invitae Variant Classification Sherloc (09022015). Collection method: clinical testing. Allele origin: germline.
Comment: This sequence change replaces phenylalanine, which is neutral and non-polar, with tyrosine, which is neutral and polar, at codon 677 of the BARD1 protein (p.Phe677Tyr). This variant is not present in population databases (gnomAD no frequency). This variant has not been reported in the literature in individuals affected with BARD1-related conditions. ClinVar contains an entry for this variant (Variation ID: 1008288). An algorithm developed to predict the effect of missense changes on protein structure and function (PolyPhen-2) suggests that this variant is likely to be disruptive. In summary, the available evidence is currently insufficient to determine the role of this variant in disease. Therefore, it has been classified as a Variant of Uncertain Significance.

Ambry Genetics
Classification: Uncertain significance for Hereditary cancer-predisposing syndrome. Last evaluated: 2023-10-13. Review status: criteria provided, single submitter. Criteria: Ambry Variant Classification Scheme 2023. Collection method: clinical testing. Allele origin: germline.
Comment: The p.F677Y variant (also known as c.2030T>A), located in coding exon 11 of the BARD1 gene, results from a T to A substitution at nucleotide position 2030. The phenylalanine at codon 677 is replaced by tyrosine, an amino acid with highly similar properties. This amino acid position is conserved. In addition, this alteration is predicted to be tolerated by in silico analysis. Since supporting evidence is limited at this time, the clinical significance of this alteration remains unclear.